The following is an entry in ClinVar:

ClinVar aggregate classification (germline): Uncertain significance (1 of 4 stars; one submission).

Submission:

Dasa
Classification: Uncertain significance. Last evaluated: 2025-05-28. Review status: criteria provided, single submitter. Criteria: DASA Assertion Criteria. Collection method: clinical testing. Allele origin: germline.
Comment: NM_017649.5(CNNM2):c.2105G>A (p.Gly702Asp) is a missense variant that results in the substitution of glycine with aspartic acid. This variant is absent from population databases. The currently available literature and clinical evidence are not sufficient to establish a definitive association between this variant and the reported condition. Therefore, this variant is classified as a variant of uncertain significance.

NM_017649.5(CNNM2):c.2105G>A (p.Gly702Asp)

Gene: CNNM2 (cyclin and CBS domain divalent metal cation transport mediator 2; plus strand). Cytogenetic location: 10q24.32.
Variant type: single nucleotide variant.
Coding change: c.2105G>A on transcript NM_017649.5 (MANE Select); coding-DNA position 2105, G replaced by A.
Protein change: p.Gly702Asp; replaces glycine 702 with aspartic acid.
Molecular consequence: missense variant.
Genome position (GRCh38, 1-based): chr10:103,068,660, G>A. VCF-style: chr10-103068660-G-A. GRCh37 (hg19) VCF-style: chr10-104828417-G-A.
Other names: c.2105G>A, p.Gly702Asp (NM_199076.3); short protein forms G702D.
Identifiers: ClinVar variation 4882572 (VCV004882572.2).